The following is an entry in ClinVar:

ClinVar aggregate classification (germline): Likely pathogenic (1 of 4 stars; one submission).

Conditions:
Intellectual developmental disorder, autosomal dominant 39. Also called: Mental retardation, autosomal dominant 39; Intellectual disability, autosomal dominant 39. Identifiers: MedGen C4225296, MONDO:0014678, OMIM 616521.

Submission:

Victorian Clinical Genetics Services, Murdoch Childrens Research Institute
Classification: Likely pathogenic for Intellectual developmental disorder, autosomal dominant 39. Last evaluated: 2024-10-11. Review status: criteria provided, single submitter. Criteria: ACMG Guidelines, 2015. Collection method: clinical testing. Allele origin: germline. Inheritance: Autosomal dominant inheritance. Affected: yes.
Comment: Based on the classification scheme VCGS_Germline_v1.3.5, this variant is classified as Likely Pathogenic. Following criteria are met: 0102 - Loss of function is a known mechanism of disease in this gene and is associated with intellectual developmental disorder 39 (MIM#616521). (I) 0107 - This gene is associated with autosomal dominant disease. (I) 0115 - Variants in this gene are known to have variable expressivity. Individuals with pathogenic variants in this gene presented with variable phenotypes and severity (PMID: 33622623). (I) 0200 - Variant is predicted to result in a missense amino acid change from glycine to tryptophan. (I) 0251 - This variant is heterozygous. (I) 0301 - Variant is absent from gnomAD (v2, v3 and v4). (SP) 0309 - An alternative amino acid change at the same position has been observed in gnomAD (v4; 1 heterozygote, 0 homozygotes). (I) 0501 - Missense variant consistently predicted to be damaging by multiple in silico tools or highly conserved with a major amino acid change. (SP) 0602 - Variant is located in a hotspot region or cluster of pathogenic variants. This variant is found in a missense cluster within the zinc finger domain (DECIPHER). (SP) 0704 - Another missense variant comparable to the one identified in this case has limited previous evidence for pathogenicity. p.(Gly559Arg) has been identified in an individual with intellectual disability (PMID: 33004838). (SP) 0807 - This variant has no previous evidence of pathogenicity. (I) 0905 - No published segregation evidence has been identified for this variant. (I) 1007 - No published functional evidence has been identified for this variant. (SP) (SP) - Supporting pathogenic, (I) - Information, (SB) - Supporting benign

Literature cited by the submitters: PubMed 33004838; PubMed 33622623.

NM_001303052.2(MYT1L):c.1675G>T (p.Gly559Trp)

Gene: MYT1L (myelin transcription factor 1 like; minus strand). Cytogenetic location: 2p25.3.
Variant type: single nucleotide variant.
Coding change: c.1675G>T on transcript NM_001303052.2 (MANE Select); coding-DNA position 1675, G replaced by T.
Protein change: p.Gly559Trp; replaces glycine 559 with tryptophan.
Molecular consequence: missense variant.
Genome position (GRCh38, 1-based): chr2:1,912,054, C>A on the plus strand (G>T on the coding strand, the complement: MYT1L is on the minus strand). VCF-style: chr2-1912054-C-A. GRCh37 (hg19) VCF-style: chr2-1915826-C-A.
Other names: c.1675G>T, p.Gly559Trp (NM_001329844.2, NM_001329845.1, NM_001329851.3); c.1669G>T, p.Gly557Trp (NM_001329846.3, NM_001329847.2, NM_001329848.1 and 3 more transcripts); short protein forms G557W, G559W.
Identifiers: ClinVar variation 3376997 (VCV003376997.1).